The following is an entry in ClinVar:

ClinVar aggregate classification (germline): Uncertain significance (1 of 4 stars; one submission).

gnomAD v4.1: 2 of 1,605,260 alleles (0.00012%); highest among the groups gnomAD compares: South Asian, 0.0011%; no homozygotes.

Submission:

CeGaT Center for Human Genetics Tuebingen
Classification: Uncertain significance. Last evaluated: 2026-05-01. Review status: criteria provided, single submitter. Criteria: CeGaT Center For Human Genetics Tuebingen Variant Classification Criteria Version 2. Collection method: clinical testing. Allele origin: germline. Affected: yes. Observed: 1 variant allele.
Comment: LOX: PM2

NM_002317.7(LOX):c.320C>T (p.Ala107Val)

Genes: LOX (lysyl oxidase; minus strand), SRFBP1 (serum response factor binding protein 1; plus strand). Cytogenetic location: 5q23.1.
Variant type: single nucleotide variant.
Coding change: c.320C>T on transcript NM_002317.7 (MANE Select); coding-DNA position 320, C replaced by T.
Protein change: p.Ala107Val; replaces alanine 107 with valine.
Molecular consequence: missense variant.
Genome position (GRCh38, 1-based): chr5:122,077,666, G>A on the plus strand (C>T on the coding strand, the complement: LOX is on the minus strand). VCF-style: chr5-122077666-G-A. GRCh37 (hg19) VCF-style: chr5-121413361-G-A.
Other names: short protein forms A107V.
Identifiers: ClinVar variation 4872504 (VCV004872504.2).